The following is an entry in ClinVar:

NM_015512.5(DNAH1):c.5610+6C>T

Gene: DNAH1 (dynein axonemal heavy chain 1; plus strand). Cytogenetic location: 3p21.1.
Variant type: single nucleotide variant.
Coding change: c.5610+6C>T on transcript NM_015512.5 (MANE Select); 6 bases into the intron after coding-DNA position 5610, C replaced by T.
Molecular consequence: intron variant.
Genome position (GRCh38, 1-based): chr3:52,366,554, C>T. VCF-style: chr3-52366554-C-T. GRCh37 (hg19) VCF-style: chr3-52400570-C-T.
Identifiers: ClinVar variation 3761970 (VCV003761970.2).

ClinVar aggregate classification (germline): Uncertain significance (1 of 4 stars; one submission).

Conditions:
Spermatogenic failure 18. Identifiers: MedGen C4539783, MONDO:0054615, OMIM 617576.
Ciliary dyskinesia, primary, 37 (CILD37). Also called: CILIARY DYSKINESIA, PRIMARY, 37, WITH OR WITHOUT SITUS INVERSUS. Identifiers: MedGen C4539798, MONDO:0033204, OMIM 617577.

gnomAD v4.1: 3 of 1,585,760 alleles (0.00019%); highest among the groups gnomAD compares: Admixed American, 0.0036%; no homozygotes.

Submission:

Labcorp Genetics (formerly Invitae), Labcorp
Classification: Uncertain significance for Ciliary dyskinesia, primary, 37; Spermatogenic failure 18. Last evaluated: 2024-10-17. Review status: criteria provided, single submitter. Criteria: Invitae Variant Classification Sherloc (09022015). Collection method: clinical testing. Allele origin: germline.
Comment: This sequence change falls in intron 35 of the DNAH1 gene. It does not directly change the encoded amino acid sequence of the DNAH1 protein. It affects a nucleotide within the consensus splice site. The frequency data for this variant in the population databases is considered unreliable, as metrics indicate poor data quality at this position in the gnomAD database. This variant has not been reported in the literature in individuals affected with DNAH1-related conditions. Variants that disrupt the consensus splice site are a relatively common cause of aberrant splicing (PMID: 17576681, 9536098). Algorithms developed to predict the effect of sequence changes on RNA splicing suggest that this variant is not likely to affect RNA splicing. In summary, the available evidence is currently insufficient to determine the role of this variant in disease. Therefore, it has been classified as a Variant of Uncertain Significance.

Literature cited by the submitters: PubMed 17576681; PubMed 9536098.